The following is an entry in ClinVar:

ClinVar aggregate classification (germline): Uncertain significance (1 of 4 stars; one submission).

Submission:

Ambry Genetics
Classification: Uncertain significance. Last evaluated: 2024-12-29. Review status: criteria provided, single submitter. Criteria: Ambry Variant Classification Scheme 2023. Collection method: clinical testing. Allele origin: germline.
Comment: The p.E276D variant (also known as c.828G>T), located in coding exon 5 of the ATRIP gene, results from a G to T substitution at nucleotide position 828. The glutamic acid at codon 276 is replaced by aspartic acid, an amino acid with highly similar properties. This amino acid position is conserved. In addition, this alteration is predicted to be tolerated by in silico analysis. Based on the available evidence, the clinical significance of this variant remains unclear.

NM_130384.3(ATRIP):c.828G>T (p.Glu276Asp)

Genes: ATRIP (ATR interacting protein; plus strand), ATRIP-TREX1 (ATRIP-TREX1 readthrough; plus strand). Cytogenetic location: 3p21.31.
Variant type: single nucleotide variant.
Coding change: c.828G>T on transcript NM_130384.3 (MANE Select); coding-DNA position 828, G replaced by T.
Protein change: p.Glu276Asp; replaces glutamic acid 276 with aspartic acid.
Molecular consequence: missense variant. On other transcripts: non-coding transcript variant (1).
Genome position (GRCh38, 1-based): chr3:48,457,415, G>T. VCF-style: chr3-48457415-G-T. GRCh37 (hg19) VCF-style: chr3-48498815-G-T.
Other names: c.447G>T, p.Glu149Asp (NM_001271022.2); c.549G>T, p.Glu183Asp (NM_001271023.2); c.828G>T, p.Glu276Asp (NM_032166.4); short protein forms E149D, E276D, E183D.
Identifiers: ClinVar variation 3809387 (VCV003809387.1).